The following is an entry in ClinVar:

ClinVar aggregate classification (germline): Likely benign (0 of 4 stars; one submission).

Conditions:
DOCK6-related disorder. Also called: DOCK6-related condition.

Allele frequency attached by ClinVar (database versions not stated): gnomAD exomes 0.00004.
gnomAD v4.1: 62 of 1,591,800 alleles (0.0039%); highest among the groups gnomAD compares: South Asian, 0.055%; 1 homozygote.

Submission:

PreventionGenetics, part of Exact Sciences
Classification: Likely benign for DOCK6-related condition. Last evaluated: 2022-09-07. Review status: no assertion criteria provided. Collection method: clinical testing. Allele origin: germline.
Comment: This variant is classified as likely benign based on ACMG/AMP sequence variant interpretation guidelines (Richards et al. 2015 PMID: 25741868, with internal and published modifications).

NM_020812.4(DOCK6):c.720+4G>A

Gene: DOCK6 (dedicator of cytokinesis 6; minus strand). Cytogenetic location: 19p13.2.
Variant type: single nucleotide variant.
Coding change: c.720+4G>A on transcript NM_020812.4 (MANE Select); 4 bases into the intron after coding-DNA position 720, G replaced by A.
Molecular consequence: intron variant.
Genome position (GRCh38, 1-based): chr19:11,250,870, C>T on the plus strand (G>A on the coding strand, the complement: DOCK6 is on the minus strand). VCF-style: chr19-11250870-C-T. GRCh37 (hg19) VCF-style: chr19-11361546-C-T.
Other names: c.720+4G>A (NM_001367830.1).
Identifiers: ClinVar variation 3036704 (VCV003036704.2), dbSNP rs370509820, ClinGen allele CA9208392.